The following is an entry in ClinVar:

ClinVar aggregate classification (germline): Uncertain significance. Review status: criteria provided, multiple submitters, no conflicts (2 of 4 stars). 2 submissions from 2 submitters: Uncertain significance (2). Last evaluated 2025-08-11.

Conditions:
Inborn genetic diseases. Identifiers: MedGen C0950123, MeSH D030342.
Severe combined immunodeficiency due to IKK2 deficiency. Also called: Immunodeficiency 15; IMMUNODEFICIENCY 15B. Identifiers: Orphanet 397787, MedGen C4747743, MONDO:0014267, OMIM 615592.

Allele frequency attached by ClinVar (database versions not stated): gnomAD 0.00001 and 0.00003; TOPMed 0.00002; ExAC 0.00005; gnomAD exomes 0.00007 and 0.00009; 1000 Genomes Project 30x 0.00016; 1000 Genomes Project 0.00020.
gnomAD v4.1: 135 of 1,614,230 alleles (0.0084%); highest among the groups gnomAD compares: South Asian, 0.033%; no homozygotes.

Submissions (2):

Ambry Genetics
Classification: Uncertain significance for Inborn genetic diseases. Last evaluated: 2025-08-11. Review status: criteria provided, single submitter. Criteria: Ambry Variant Classification Scheme 2023. Collection method: clinical testing. Allele origin: germline.

Labcorp Genetics (formerly Invitae), Labcorp
Classification: Uncertain significance for Severe combined immunodeficiency due to IKK2 deficiency. Last evaluated: 2024-12-02. Review status: criteria provided, single submitter. Criteria: Invitae Variant Classification Sherloc (09022015). Collection method: clinical testing. Allele origin: germline.
Comment: This sequence change replaces threonine, which is neutral and polar, with methionine, which is neutral and non-polar, at codon 693 of the IKBKB protein (p.Thr693Met). This variant is present in population databases (rs199897983, gnomAD 0.03%). This variant has not been reported in the literature in individuals affected with IKBKB-related conditions. ClinVar contains an entry for this variant (Variation ID: 657184). Invitae Evidence Modeling of protein sequence and biophysical properties (such as structural, functional, and spatial information, amino acid conservation, physicochemical variation, residue mobility, and thermodynamic stability) indicates that this missense variant is not expected to disrupt IKBKB protein function with a negative predictive value of 95%. In summary, the available evidence is currently insufficient to determine the role of this variant in disease. Therefore, it has been classified as a Variant of Uncertain Significance.

NM_001556.3(IKBKB):c.2078C>T (p.Thr693Met)

Gene: IKBKB (inhibitor of nuclear factor kappa B kinase subunit beta; plus strand). Cytogenetic location: 8p11.21.
Variant type: single nucleotide variant.
Coding change: c.2078C>T on transcript NM_001556.3 (MANE Select); coding-DNA position 2078, C replaced by T.
Protein change: p.Thr693Met; replaces threonine 693 with methionine.
Molecular consequence: missense variant. On other transcripts: non-coding transcript variant (3).
Genome position (GRCh38, 1-based): chr8:42,326,061, C>T. VCF-style: chr8-42326061-C-T. GRCh37 (hg19) VCF-style: chr8-42183579-C-T.
Other names: c.1886C>T, p.Thr629Met (NM_001190720.3); c.1901C>T, p.Thr634Met (NM_001242778.2); short protein forms T634M, T693M, T629M.
Identifiers: ClinVar variation 657184 (VCV000657184.5), dbSNP rs199897983, ClinGen allele CA4732184.